The following is an entry in ClinVar:

NM_004360.5(CDH1):c.149G>A (p.Arg50His)

Gene: CDH1 (cadherin 1; plus strand). Cytogenetic location: 16q22.1.
Variant type: single nucleotide variant.
Coding change: c.149G>A on transcript NM_004360.5 (MANE Select); coding-DNA position 149, G replaced by A.
Protein change: p.Arg50His; replaces arginine 50 with histidine.
Molecular consequence: missense variant. On other transcripts: 5 prime UTR variant (2).
Genome position (GRCh38, 1-based): chr16:68,738,397, G>A. VCF-style: chr16-68738397-G-A. GRCh37 (hg19) VCF-style: chr16-68772300-G-A.
Other names: c.149G>A, p.Arg50His (NM_001317184.2); c.-1467G>A (NM_001317185.2); c.-1671G>A (NM_001317186.2); short protein forms R50H.
Identifiers: ClinVar variation 2729406 (VCV002729406.4), dbSNP rs2152114475, ClinGen allele CA396452279.

ClinVar aggregate classification (germline): Conflicting classifications of pathogenicity. Review status: criteria provided, conflicting classifications (1 of 4 stars). 2 submissions from 2 submitters: Uncertain significance (1); Likely benign (1). Last evaluated 2024-03-19.

Conditions:
Hereditary cancer-predisposing syndrome. Also called: Hereditary neoplastic syndrome; Hereditary Cancer Syndrome; Neoplastic Syndromes, Hereditary; Tumor predisposition. Identifiers: Orphanet 140162, MedGen C0027672, MeSH D009386, MONDO:0015356.
Hereditary diffuse gastric adenocarcinoma (HDGC). Also called: DIFFUSE GASTRIC AND LOBULAR BREAST CANCER SYNDROME. Identifiers: Orphanet 26106, MedGen C1708349, MONDO:0007648, OMIM 137215.

Allele frequency attached by ClinVar (database versions not stated): gnomAD exomes below 0.00001.
gnomAD v4.1: 2 of 1,549,078 alleles (0.00013%); highest among the groups gnomAD compares: Non-Finnish European, 0.00017%; no homozygotes.

Submissions (2):

Ambry Genetics
Classification: Likely benign for Hereditary cancer-predisposing syndrome. Last evaluated: 2024-03-19. Review status: criteria provided, single submitter. Criteria: Ambry Variant Classification Scheme 2023. Collection method: clinical testing. Allele origin: germline.

Labcorp Genetics (formerly Invitae), Labcorp
Classification: Uncertain significance for Hereditary diffuse gastric adenocarcinoma. Last evaluated: 2023-10-26. Review status: criteria provided, single submitter. Criteria: Invitae Variant Classification Sherloc (09022015). Collection method: clinical testing. Allele origin: germline.
Comment: This sequence change replaces arginine, which is basic and polar, with histidine, which is basic and polar, at codon 50 of the CDH1 protein (p.Arg50His). This variant is not present in population databases (gnomAD no frequency). This missense change has been observed in individual(s) with pancreatic ductal adenocarcinoma (PMID: 35171259). Algorithms developed to predict the effect of missense changes on protein structure and function output the following: SIFT: "Not Available"; PolyPhen-2: "Benign"; Align-GVGD: "Not Available". The histidine amino acid residue is found in multiple mammalian species, which suggests that this missense change does not adversely affect protein function. In summary, the available evidence is currently insufficient to determine the role of this variant in disease. Therefore, it has been classified as a Variant of Uncertain Significance.

Literature cited by the submitters: PubMed 35171259 (cited by Ambry Genetics and Labcorp Genetics (formerly Invitae), Labcorp).